The following is an entry in ClinVar:

NM_006939.4(SOS2):c.986_987del (p.Gly328_Phe329insTer)

Gene: SOS2 (SOS Ras/Rho guanine nucleotide exchange factor 2; minus strand). Cytogenetic location: 14q21.3.
Variant type: Deletion.
Coding change: c.986_987del on transcript NM_006939.4 (MANE Select); coding-DNA positions 986 to 987, 2 bases deleted (TT; older notation c.986_987delTT).
Protein change: p.Gly328_Phe329insTer.
Molecular consequence: nonsense. On other transcripts: intron variant (1).
Genome position (GRCh38, 1-based): chr14:50,174,535-50,174,536, AA deleted on the plus strand (TT on the coding strand, the reverse complement: SOS2 is on the minus strand); deleting any 2 consecutive bases within chr14:50,174,535-50,174,538 gives the same sequence; the c. name uses the placement nearest the transcript's 3' end. VCF-style (leftmost placement, unchanged base first): chr14-50174534-TAA-T. GRCh37 (hg19) VCF-style: chr14-50641252-TAA-T.
Other names: c.969+6036_969+6037del (NM_001411020.1).
Identifiers: ClinVar variation 3612216 (VCV003612216.2).
Genomic context (GRCh38, chr14:50,174,534, plus strand): 5'-GCCAACAGTGATACACTGGCACCAGCATAAGACGTGGAAGGACATAACGAACTGCCTCTT[TAA>T]AACCATCAGCAATGGACTGCAAAGCAAAAAGATATCACAGTATGTATGTCTCTGACATCA-3'

ClinVar aggregate classification (germline): Uncertain significance (1 of 4 stars; one submission).

Conditions:
Noonan syndrome 9 (NS9). Identifiers: Orphanet 648, MedGen C4225282, MONDO:0014691, OMIM 616559.

Submission:

Labcorp Genetics (formerly Invitae), Labcorp
Classification: Uncertain significance for Noonan syndrome 9. Last evaluated: 2025-08-03. Review status: criteria provided, single submitter. Criteria: Invitae Variant Classification Sherloc (09022015). Collection method: clinical testing. Allele origin: germline.
Comment: This sequence change creates a premature translational stop signal (p.Phe329*) in the SOS2 gene. It is expected to result in an absent or disrupted protein product. However, the current clinical and genetic evidence is not sufficient to establish whether loss-of-function variants in SOS2 cause disease. This variant is not present in population databases (gnomAD no frequency). This variant has not been reported in the literature in individuals affected with SOS2-related conditions. ClinVar contains an entry for this variant (Variation ID: 3612216). In summary, the available evidence is currently insufficient to determine the role of this variant in disease. Therefore, it has been classified as a Variant of Uncertain Significance.